The following is an entry in ClinVar:

NM_001130438.3(SPTAN1):c.3177C>T (p.Ala1059=)

Gene: SPTAN1 (spectrin alpha, non-erythrocytic 1; plus strand). Cytogenetic location: 9q34.11.
Variant type: single nucleotide variant.
Coding change: c.3177C>T on transcript NM_001130438.3 (MANE Select); coding-DNA position 3177, C replaced by T.
Protein change: p.Ala1059=; no amino-acid change (alanine 1059 retained).
Molecular consequence: synonymous variant. On other transcripts: intron variant (2).
Genome position (GRCh38, 1-based): chr9:128,593,004, C>T. VCF-style: chr9-128593004-C-T. GRCh37 (hg19) VCF-style: chr9-131355283-C-T.
Other names: c.3177C>T, p.Ala1059= (NM_001363759.2, NM_003127.4); c.3156-1171C>T (NM_001363765.2, NM_001195532.2).
Identifiers: ClinVar variation 590024 (VCV000590024.17), dbSNP rs369531936, ClinGen allele CA5264868.
Genomic context (GRCh38, chr9:128,593,004, plus strand): 5'-CTAATTCGTGCATGCTTTTGCTGTGCCCCCTCTGTGCAGGACACGCATAACTAAGGAGGC[C>T]GGCAGTGTATCTCTGCGTATGAAGCAGGTGGAAGAACTGTGAGTAGGCTGAGAGTCTTGC-3'
Protein context (NP_001123910.1, residues 1049-1069): IDNQTRITKE[Ala1059=]GSVSLRMKQV

ClinVar aggregate classification (germline): Likely benign. Review status: criteria provided, multiple submitters, no conflicts (2 of 4 stars). 3 submissions from 3 submitters: Likely benign (3). Last evaluated 2026-08-01.

Conditions:
Early-infantile DEE. Also called: Early infantile epileptic encephalopathy with suppression bursts; Ohtahara syndrome; Early infantile epileptic encephalopathy. Identifiers: Orphanet 1934, MedGen C0393706, MONDO:0800491.
Inborn genetic diseases. Identifiers: MedGen C0950123, MeSH D030342.

Allele frequency attached by ClinVar (database versions not stated): gnomAD exomes 0.00001 and 0.00003; TOPMed 0.00005; ESP Exome Variant Server 0.00008; gnomAD 0.00003 and 0.00004; ExAC 0.00005.
gnomAD v4.1: 24 of 1,609,622 alleles (0.0015%); highest among the groups gnomAD compares: South Asian, 0.01%; no homozygotes.

Submissions (3):

CeGaT Center for Human Genetics Tuebingen
Classification: Likely benign. Last evaluated: 2026-08-01. Review status: criteria provided, single submitter. Criteria: CeGaT Center For Human Genetics Tuebingen Variant Classification Criteria Version 2. Collection method: clinical testing. Allele origin: germline. Affected: yes. Observed: 1 variant allele.
Comment: SPTAN1: BP4, BP7

Labcorp Genetics (formerly Invitae), Labcorp
Classification: Likely benign for Early-infantile DEE. Last evaluated: 2025-03-20. Review status: criteria provided, single submitter. Criteria: Invitae Variant Classification Sherloc (09022015). Collection method: clinical testing. Allele origin: germline.

Ambry Genetics
Classification: Likely benign for Inborn genetic diseases. Last evaluated: 2017-01-25. Review status: criteria provided, single submitter. Criteria: Ambry Variant Classification Scheme 2023. Collection method: clinical testing. Allele origin: germline.